The following is an entry in ClinVar:

NM_032638.5(GATA2):c.1157T>G (p.Leu386Arg)

Gene: GATA2 (GATA binding protein 2; minus strand). Cytogenetic location: 3q21.3.
Variant type: single nucleotide variant.
Coding change: c.1157T>G on transcript NM_032638.5 (MANE Select); coding-DNA position 1157, T replaced by G.
Protein change: p.Leu386Arg; replaces leucine 386 with arginine.
Molecular consequence: missense variant.
Genome position (GRCh38, 1-based): chr3:128,481,305, A>C on the plus strand (T>G on the coding strand, the complement: GATA2 is on the minus strand). VCF-style: chr3-128481305-A-C. GRCh37 (hg19) VCF-style: chr3-128200148-A-C.
Other names: c.1157T>G, p.Leu386Arg (NM_001145661.2); c.1115T>G, p.Leu372Arg (NM_001145662.1); short protein forms L372R, L386R.
Identifiers: ClinVar variation 4082441 (VCV004082441.2).

ClinVar aggregate classification (germline): Uncertain significance (1 of 4 stars; one submission).

Submission:

Genetic Services Laboratory, University of Chicago
Classification: Uncertain significance. Last evaluated: 2023-02-13. Review status: criteria provided, single submitter. Criteria: ACMG Guidelines, 2015. Collection method: clinical testing. Allele origin: germline. Affected: no.
Comment: DNA sequence analysis of the GATA2 gene demonstrated a sequence change, c.1157T>G, in exon 6 that results in an amino acid change, p.Leu386Arg. This sequence change does not appear to have been previously described in individuals with GATA2-related disorders and has also not been described in population databases such as ExAC and gnomAD. The p.Leu386Arg change affects a highly conserved amino acid residue located in a domain of the GATA2 protein that is known to be functional. The p.Leu386Arg substitution appears to be deleterious using several in-silico pathogenicity prediction tools (SIFT, PolyPhen2, Align GVGD, REVEL). This variant occurs in a region of the GATA2 gene where several other pathogenic missense variants have been described. Due to insufficient evidence and the lack of functional studies, the clinical significance of the p.Leu386Arg change remains unknown at this time.